The following is an entry in ClinVar:

ClinVar aggregate classification (germline): Uncertain significance (1 of 4 stars; one submission).

Conditions:
Inborn genetic diseases. Identifiers: MedGen C0950123, MeSH D030342.

gnomAD v4.1: 1 of 1,614,148 alleles (0.000062%); highest among the groups gnomAD compares: Non-Finnish European, 0.000085%; no homozygotes.

Submission:

Ambry Genetics
Classification: Uncertain significance for Inborn genetic diseases. Last evaluated: 2025-10-01. Review status: criteria provided, single submitter. Criteria: Ambry Variant Classification Scheme 2023. Collection method: clinical testing. Allele origin: germline.
Comment: The c.107C>T (p.T36I) alteration is located in exon 2 (coding exon 2) of the ZBTB18 gene. This alteration results from a C to T substitution at nucleotide position 107, causing the threonine (T) at amino acid position 36 to be replaced by an isoleucine (I). This variant was not reported in population-based cohorts in the Genome Aggregation Database (gnomAD). This amino acid position is highly conserved in available vertebrate species. This missense alteration is located in a region that has a low rate of benign missense variation (Lek, 2016; Firth, 2009). This alteration is predicted to be deleterious by in silico analysis. Based on insufficient or conflicting evidence, the clinical significance of this alteration remains unclear.

NM_205768.3(ZBTB18):c.107C>T (p.Thr36Ile)

Gene: ZBTB18 (zinc finger and BTB domain containing 18; plus strand). Cytogenetic location: 1q44.
Variant type: single nucleotide variant.
Coding change: c.107C>T on transcript NM_205768.3 (MANE Select); coding-DNA position 107, C replaced by T.
Protein change: p.Thr36Ile; replaces threonine 36 with isoleucine.
Molecular consequence: missense variant.
Genome position (GRCh38, 1-based): chr1:244,053,881, C>T. VCF-style: chr1-244053881-C-T. GRCh37 (hg19) VCF-style: chr1-244217183-C-T.
Other names: c.80C>T, p.Thr27Ile (NM_001278196.2, NM_006352.5); c.107C>T, p.Thr36Ile (NM_001421566.1); short protein forms T36I, T27I.
Identifiers: ClinVar variation 4203696 (VCV004203696.2).